The following is an entry in ClinVar:

ClinVar aggregate classification (germline): Pathogenic (1 of 4 stars; one submission).

Submission:

GeneDx
Classification: Pathogenic. Last evaluated: 2018-02-20. Review status: criteria provided, single submitter. Criteria: GeneDx Variant Classification (06012015). Collection method: clinical testing. Allele origin: germline. Affected: yes.
Comment: The c.523_524dupGT pathogenic variant in the ASPM gene causes a frameshift starting with codon Asparagine 176, changes this amino acid to a Leucine residue and creates a premature Stop codon at position 26 of the new reading frame, denoted p.Asn176LeufsX26. This pathogenic variant is predicted to cause loss of normal protein function either through protein truncation or nonsense-mediated mRNA decay. The c.523_524dupGT variant is not observed in large population cohorts (Lek et al., 2016). Although this pathogenic variant has not been previously reported to our knowledge, it is interpreted to be a pathogenic variant.

NM_018136.5(ASPM):c.523_524dup (p.Asn176fs)

Gene: ASPM (assembly factor for spindle microtubules; minus strand). Cytogenetic location: 1q31.3.
Variant type: Duplication.
Coding change: c.523_524dup on transcript NM_018136.5 (MANE Select); coding-DNA positions 523 to 524, 2 bases duplicated (GT; older notation c.523_524dupGT).
Protein change: p.Asn176fs; shifts the reading frame from asparagine 176.
Molecular consequence: frameshift variant.
Genome position (GRCh38, 1-based): chr1:197,143,728-197,143,729, AC duplicated on the plus strand (GT on the coding strand, the reverse complement: ASPM is on the minus strand); duplicating any 2 consecutive bases within chr1:197,143,728-197,143,730 gives the same sequence; the c. name uses the placement nearest the transcript's 3' end. VCF-style (leftmost placement, unchanged base first): chr1-197143727-A-AAC. GRCh37 (hg19) VCF-style: chr1-197112857-A-AAC.
Other names: c.523_524dup, p.Asn176fs (NM_001206846.2); c.523_524dupGT (NM_018136.4); short protein forms N176fs.
Identifiers: ClinVar variation 504325 (VCV000504325.1), dbSNP rs1553228009, ClinGen allele CA658795578.
Genomic context (GRCh38, chr1:197,143,727, plus strand): 5'-ACAAGCTTGTAGTGGGCTCCTAACTCTGTCAACTTTTTGGGAAACACTAAATGTTTTATT[A>AAC]ACATTCTGAATATTTGAAACCCTTCTGTTGTGACTTGTAGAGGCTGAAATTTTCTTCTTT-3'